The following is an entry in ClinVar:

NM_000142.5(FGFR3):c.1220G>A (p.Gly407Asp)

Gene: FGFR3 (fibroblast growth factor receptor 3; plus strand). Cytogenetic location: 4p16.3.
Variant type: single nucleotide variant.
Coding change: c.1220G>A on transcript NM_000142.5 (MANE Select); coding-DNA position 1220, G replaced by A.
Protein change: p.Gly407Asp; replaces glycine 407 with aspartic acid.
Molecular consequence: missense variant. On other transcripts: non-coding transcript variant (1), intron variant (1).
Genome position (GRCh38, 1-based): chr4:1,804,474, G>A. VCF-style: chr4-1804474-G-A. GRCh37 (hg19) VCF-style: chr4-1806201-G-A.
Other names: c.1226G>A, p.Gly409Asp (NM_001163213.2); c.1220G>A, p.Gly407Asp (NM_001354809.2, NM_001354810.2); c.931-350G>A (NM_022965.4); short protein forms G407D, G409D.
Identifiers: ClinVar variation 3636991 (VCV003636991.2).
Genomic context (GRCh38, chr4:1,804,474, plus strand): 5'-TCCTGGTGGTGGCGGCTGTGACGCTCTGCCGCCTGCGCAGCCCCCCCAAGAAAGGCCTGG[G>A]CTCCCCCACCGTGCACAAGATCTCCCGCTTCCCGCTCAAGCGACAGGTAACAGAAAGTAG-3'
Protein context (NP_000133.1, residues 397-417): RLRSPPKKGL[Gly407Asp]SPTVHKISRF

ClinVar aggregate classification (germline): Uncertain significance (1 of 4 stars; one submission).

gnomAD v4.1: 1 of 1,613,130 alleles (0.000062%); highest among the groups gnomAD compares: Non-Finnish European, 0.000085%; no homozygotes.

Submission:

Labcorp Genetics (formerly Invitae), Labcorp
Classification: Uncertain significance. Last evaluated: 2024-10-19. Review status: criteria provided, single submitter. Criteria: Invitae Variant Classification Sherloc (09022015). Collection method: clinical testing. Allele origin: germline.
Comment: This sequence change replaces glycine, which is neutral and non-polar, with aspartic acid, which is acidic and polar, at codon 407 of the FGFR3 protein (p.Gly407Asp). This variant is not present in population databases (gnomAD no frequency). This variant has not been reported in the literature in individuals affected with FGFR3-related conditions. Invitae Evidence Modeling of protein sequence and biophysical properties (such as structural, functional, and spatial information, amino acid conservation, physicochemical variation, residue mobility, and thermodynamic stability) indicates that this missense variant is not expected to disrupt FGFR3 protein function with a negative predictive value of 95%. In summary, the available evidence is currently insufficient to determine the role of this variant in disease. Therefore, it has been classified as a Variant of Uncertain Significance.